The following is an entry in ClinVar:

ClinVar aggregate classification (germline): Uncertain significance (1 of 4 stars; one submission).

Conditions:
Hereditary cancer-predisposing syndrome. Also called: Neoplastic Syndromes, Hereditary; Tumor predisposition; Hereditary Cancer Syndrome; Hereditary neoplastic syndrome. Identifiers: Orphanet 140162, MedGen C0027672, MeSH D009386, MONDO:0015356.

Submission:

Ambry Genetics
Classification: Uncertain significance for Hereditary cancer-predisposing syndrome. Last evaluated: 2024-10-19. Review status: criteria provided, single submitter. Criteria: Ambry Variant Classification Scheme 2023. Collection method: clinical testing. Allele origin: germline.
Comment: The c.58_59delCCinsTT variant (also known as p.P20F), located in coding exon 1 of the RB1 gene, results from an in-frame deletion of CC and insertion of TT at nucleotide positions 58 to 59. This results in the substitution of the proline residue for a phenylalanine residue at codon 20, an amino acid with dissimilar properties. This amino acid position is highly conserved in available vertebrate species. In addition, this alteration is predicted to be neutral by in silico analysis (Choi Y et al. PLoS ONE. 2012; 7(10):e46688). Based on the available evidence, the clinical significance of this variant remains unclear.

NM_000321.3(RB1):c.58_59delinsTT (p.Pro20Phe)

Gene: RB1 (RB transcriptional corepressor 1; plus strand). Cytogenetic location: 13q14.2.
Variant type: Indel.
Coding change: c.58_59delinsTT on transcript NM_000321.3 (MANE Select); coding-DNA positions 58 to 59, CC replaced by TT.
Protein change: p.Pro20Phe; replaces proline 20 with phenylalanine.
Molecular consequence: missense variant.
Genome position (GRCh38, 1-based): chr13:48,303,970-48,303,971, CC replaced by TT. VCF-style: chr13-48303970-CC-TT. GRCh37 (hg19) VCF-style: chr13-48878106-CC-TT.
Other names: c.58_59delinsTT, p.Pro20Phe (NM_001407165.1, NM_001407166.1, NM_001407167.1); short protein forms P20F.
Identifiers: ClinVar variation 3430858 (VCV003430858.1).